The following is an entry in ClinVar:

NM_004369.4(COL6A3):c.4412G>A (p.Ser1471Asn)

Gene: COL6A3 (collagen type VI alpha 3 chain; minus strand). Cytogenetic location: 2q37.3.
Variant type: single nucleotide variant.
Coding change: c.4412G>A on transcript NM_004369.4 (MANE Select); coding-DNA position 4412, G replaced by A.
Protein change: p.Ser1471Asn; replaces serine 1471 with asparagine.
Molecular consequence: missense variant.
Genome position (GRCh38, 1-based): chr2:237,369,051, C>T on the plus strand (G>A on the coding strand, the complement: COL6A3 is on the minus strand). VCF-style: chr2-237369051-C-T. GRCh37 (hg19) VCF-style: chr2-238277694-C-T.
Other names: c.2591G>A, p.Ser864Asn (NM_057166.5); c.3794G>A, p.Ser1265Asn (NM_057167.4); short protein forms S1265N, S1471N, S864N.
Identifiers: ClinVar variation 2652046 (VCV002652046.22), dbSNP rs2469889517, ClinGen allele CA351193385.

ClinVar aggregate classification (germline): Uncertain significance (1 of 4 stars; one submission).

Submission:

CeGaT Center for Human Genetics Tuebingen
Classification: Uncertain significance. Last evaluated: 2022-07-01. Review status: criteria provided, single submitter. Criteria: CeGaT Center For Human Genetics Tuebingen Variant Classification Criteria Version 2. Collection method: clinical testing. Allele origin: germline. Affected: yes. Observed: 1 variant allele.
Comment: COL6A3: PM2, BP4